The following is an entry in ClinVar:

ClinVar aggregate classification (germline): Pathogenic (1 of 4 stars; one submission).

Conditions:
Familial cancer of breast. Also called: BREAST CANCER, FAMILIAL; hereditary breast carcinoma; Hereditary breast cancer. Identifiers: Orphanet 227535, MedGen C0346153, MONDO:0016419, OMIM 114480. Disease mechanism: loss of function.

Submission:

Labcorp Genetics (formerly Invitae), Labcorp
Classification: Pathogenic for Familial cancer of breast. Last evaluated: 2022-08-26. Review status: criteria provided, single submitter. Criteria: Invitae Variant Classification Sherloc (09022015). Collection method: clinical testing. Allele origin: germline.
Comment: For these reasons, this variant has been classified as Pathogenic. This variant disrupts a region of the CHEK2 protein in which other variant(s) (p.Ser516Leufs*50, p.Ser516Phefs*3) have been determined to be pathogenic (Invitae). This suggests that this is a clinically significant region of the protein, and that variants that disrupt it are likely to be disease-causing. This variant disrupts the serine/threonine kinase domain of the CHEK2 protein, which is essential for protein function (PMID: 30264118, 31843900, 29785007). While functional studies have not been performed to directly test the effect of this variant on CHEK2 protein function, this suggests that disruption of this region of the protein is causative of disease. This variant has not been reported in the literature in individuals affected with CHEK2-related conditions. This variant is a gross deletion of the genomic region encompassing exon(s) 6-15 of the CHEK2 gene, which includes the termination codon. This deletion extends beyond the assayed region for this gene and therefore may encompass additional genes. While this deletion is not anticipated to lead to nonsense mediated decay, it is expected to alter mRNA translation or result in a truncated protein product.

Literature cited by the submitters: PubMed 30264118; PubMed 31843900; PubMed 29785007.

NC_000022.10:g.(?_29083885)_(29108015_?)del

Gene: CHEK2 (checkpoint kinase 2; minus strand). Cytogenetic location: 22q12.1.
Variant type: Deletion.
Identifiers: ClinVar variation 1459221 (VCV001459221.8).